The following is an entry in ClinVar:

NM_000081.4(LYST):c.6460G>A (p.Asp2154Asn)

Gene: LYST (lysosomal trafficking regulator; minus strand). Cytogenetic location: 1q42.3.
Variant type: single nucleotide variant.
Coding change: c.6460G>A on transcript NM_000081.4 (MANE Select); coding-DNA position 6460, G replaced by A.
Protein change: p.Asp2154Asn; replaces aspartic acid 2154 with asparagine.
Molecular consequence: missense variant.
Genome position (GRCh38, 1-based): chr1:235,759,393, C>T on the plus strand (G>A on the coding strand, the complement: LYST is on the minus strand). VCF-style: chr1-235759393-C-T. GRCh37 (hg19) VCF-style: chr1-235922693-C-T.
Other names: p.Asp2154Asn; c.6460G>A, p.Asp2154Asn (NM_001301365.1); c.6460G>A (NM_000081.2); short protein forms D2154N.
Identifiers: ClinVar variation 525147 (VCV000525147.16), dbSNP rs746634900, ClinGen allele CA1466370.

ClinVar aggregate classification (germline): Uncertain significance. Review status: criteria provided, multiple submitters, no conflicts (2 of 4 stars). 8 submissions from 8 submitters: Uncertain significance (8). Last evaluated 2026-02-17.

Conditions:
Inborn genetic diseases. Identifiers: MedGen C0950123, MeSH D030342.
LYST-related disorder. Also called: LYST-related condition.
Chédiak-Higashi syndrome (CHS). Also called: Chediak-Higashi Syndrome. Identifiers: Orphanet 167, MedGen C0007965, MONDO:0008963, OMIM 214500.

Allele frequency attached by ClinVar (database versions not stated): ExAC 0.00004; TOPMed 0.00009; gnomAD 0.00010; gnomAD exomes 0.00011.
gnomAD v4.1: 174 of 1,613,962 alleles (0.011%); highest among the groups gnomAD compares: Middle Eastern, 0.016%; no homozygotes.

Submissions (8):

PreventionGenetics, part of Exact Sciences
Classification: Uncertain significance for LYST-related condition. Last evaluated: 2026-02-17. Review status: criteria provided, single submitter. Criteria: ACMG Guidelines, 2015. Collection method: clinical testing. Allele origin: germline.
Comment: The LYST c.6460G>A variant is predicted to result in the amino acid substitution p.Asp2154Asn. To our knowledge, this variant has not been reported in the literature. This variant is reported in 0.013% of alleles in individuals of European (Non-Finnish) descent in gnomAD. At this time, the clinical significance of this variant is uncertain due to the absence of conclusive functional and genetic evidence.

Ambry Genetics
Classification: Uncertain significance for Inborn genetic diseases. Last evaluated: 2024-10-01. Review status: criteria provided, single submitter. Criteria: Ambry Variant Classification Scheme 2023. Collection method: clinical testing. Allele origin: germline.

Mayo Clinic Laboratories, Mayo Clinic
Classification: Uncertain significance. Last evaluated: 2024-09-13. Review status: criteria provided, single submitter. Criteria: ACMG Guidelines, 2015. Collection method: clinical testing. Allele origin: germline. Observed: 1 variant allele.
Comment: BP4

Blueprint Genetics
Classification: Uncertain significance. Last evaluated: 2024-08-23. Review status: criteria provided, single submitter. Criteria: ACMG Guidelines, 2015. Collection method: clinical testing. Allele origin: germline.

Women's Health and Genetics/Laboratory Corporation of America, LabCorp
Classification: Uncertain significance. Last evaluated: 2024-05-10. Review status: criteria provided, single submitter. Criteria: LabCorp Variant Classification Summary - May 2015. Collection method: clinical testing. Allele origin: germline.
Comment: Variant summary: LYST c.6460G>A (p.Asp2154Asn) results in a conservative amino acid change in the encoded protein sequence. Three of three in-silico tools predict a benign effect of the variant on protein function. The variant allele was found at a frequency of 7.6e-05 in 251196 control chromosomes (gnomAD). This frequency is not significantly higher than estimated for a pathogenic variant in LYST causing Chediak-Higashi Syndrome (7.6e-05 vs 0.0011), allowing no conclusion about variant significance. To our knowledge, no occurrence of c.6460G>A in individuals affected with Chediak-Higashi Syndrome and no experimental evidence demonstrating its impact on protein function have been reported. ClinVar contains an entry for this variant (Variation ID: 525147). Based on the evidence outlined above, the variant was classified as uncertain significance.

Labcorp Genetics (formerly Invitae), Labcorp
Classification: Uncertain significance for Chédiak-Higashi syndrome. Last evaluated: 2022-09-13. Review status: criteria provided, single submitter. Criteria: Invitae Variant Classification Sherloc (09022015). Collection method: clinical testing. Allele origin: germline.
Comment: This sequence change replaces aspartic acid, which is acidic and polar, with asparagine, which is neutral and polar, at codon 2154 of the LYST protein (p.Asp2154Asn). This variant is present in population databases (rs746634900, gnomAD 0.01%). This variant has not been reported in the literature in individuals affected with LYST-related conditions. ClinVar contains an entry for this variant (Variation ID: 525147). Advanced modeling of protein sequence and biophysical properties (such as structural, functional, and spatial information, amino acid conservation, physicochemical variation, residue mobility, and thermodynamic stability) performed at Invitae indicates that this missense variant is not expected to disrupt LYST protein function. In summary, the available evidence is currently insufficient to determine the role of this variant in disease. Therefore, it has been classified as a Variant of Uncertain Significance.

Revvity Omics, Revvity
Classification: Uncertain significance for Chédiak-Higashi syndrome. Last evaluated: 2019-12-09. Review status: criteria provided, single submitter. Criteria: ACMG Guidelines, 2015. Collection method: clinical testing. Allele origin: germline.

Illumina Laboratory Services, Illumina
Classification: Uncertain significance for Chédiak-Higashi syndrome. Last evaluated: 2018-01-13. Review status: criteria provided, single submitter. Criteria: ICSL Variant Classification Criteria 13 December 2019. Collection method: clinical testing. Allele origin: germline.